The following is an entry in ClinVar:

NM_000245.4(MET):c.2547G>T (p.Met849Ile)

Gene: MET (MET proto-oncogene, receptor tyrosine kinase; plus strand). Cytogenetic location: 7q31.2.
Variant type: single nucleotide variant.
Coding change: c.2547G>T on transcript NM_000245.4 (MANE Select); coding-DNA position 2547, G replaced by T.
Protein change: p.Met849Ile; replaces methionine 849 with isoleucine.
Molecular consequence: missense variant.
Genome position (GRCh38, 1-based): chr7:116,763,232, G>T. VCF-style: chr7-116763232-G-T. GRCh37 (hg19) VCF-style: chr7-116403286-G-T.
Other names: c.2601G>T, p.Met867Ile (NM_001127500.3); c.2547G>T, p.Met849Ile (NM_001324401.3); c.1257G>T, p.Met419Ile (NM_001324402.2); short protein forms M849I, M419I, M867I.
Identifiers: ClinVar variation 848978 (VCV000848978.10), dbSNP rs747989932, ClinGen allele CA4448501.
Genomic context (GRCh38, chr7:116,763,232, plus strand): 5'-ATACTTTGATCTCATTTATGTACATAATCCTGTGTTTAAGCCTTTTGAAAAGCCAGTGAT[G>T]ATCTCAATGGGCAATGAAAATGTACTGGAAATTAAGGTAAGAAATGCTTTAAACACTGTC-3'
Protein context (NP_000236.2, residues 839-859): PVFKPFEKPV[Met849Ile]ISMGNENVLE

ClinVar aggregate classification (germline): Uncertain significance. Review status: criteria provided, multiple submitters, no conflicts (2 of 4 stars). 2 submissions from 2 submitters: Uncertain significance (2). Last evaluated 2025-06-08.

Conditions:
Renal cell carcinoma. Identifiers: Orphanet 217071, MedGen C0007134, MeSH D002292, MONDO:0005086, HP:0005584.
Hereditary cancer-predisposing syndrome. Also called: Tumor predisposition; Neoplastic Syndromes, Hereditary; Hereditary neoplastic syndrome; Hereditary Cancer Syndrome. Identifiers: Orphanet 140162, MedGen C0027672, MeSH D009386, MONDO:0015356.

gnomAD v4.1: 2 of 1,613,906 alleles (0.00012%); highest among the groups gnomAD compares: Non-Finnish European, 0.00017%; no homozygotes.

Submissions (2):

Labcorp Genetics (formerly Invitae), Labcorp
Classification: Uncertain significance for Renal cell carcinoma. Last evaluated: 2025-06-08. Review status: criteria provided, single submitter. Criteria: Invitae Variant Classification Sherloc (09022015). Collection method: clinical testing. Allele origin: germline.
Comment: This sequence change replaces methionine, which is neutral and non-polar, with isoleucine, which is neutral and non-polar, at codon 867 of the MET protein (p.Met867Ile). This variant is present in population databases (rs747989932, gnomAD 0.002%). This variant has not been reported in the literature in individuals affected with MET-related conditions. ClinVar contains an entry for this variant (Variation ID: 848978). An algorithm developed to predict the effect of missense changes on protein structure and function (PolyPhen-2) suggests that this variant is likely to be tolerated. In summary, the available evidence is currently insufficient to determine the role of this variant in disease. Therefore, it has been classified as a Variant of Uncertain Significance.

Ambry Genetics
Classification: Uncertain significance for Hereditary cancer-predisposing syndrome. Last evaluated: 2024-04-14. Review status: criteria provided, single submitter. Criteria: Ambry Variant Classification Scheme 2023. Collection method: clinical testing. Allele origin: germline.
Comment: The p.M867I variant (also known as c.2601G>T), located in coding exon 10 of the MET gene, results from a G to T substitution at nucleotide position 2601. The methionine at codon 867 is replaced by isoleucine, an amino acid with highly similar properties. This amino acid position is conserved. In addition, this alteration is predicted to be tolerated by in silico analysis. Based on the available evidence, the clinical significance of this variant remains unclear.